The following is an entry in ClinVar:

ClinVar aggregate classification (germline): Uncertain significance. Review status: criteria provided, multiple submitters, no conflicts (2 of 4 stars). 3 submissions from 3 submitters: Uncertain significance (3). Last evaluated 2025-01-21.

Conditions:
Cardiovascular phenotype. Identifiers: MedGen CN230736.
Cardiomyopathy (CMYO). Also called: Cardiomyopathies. Identifiers: Orphanet 167848, MedGen C0878544, MONDO:0004994, HP:0001638. Inheritance: Various modes of inheritance.

Submissions (3):

Color Diagnostics, LLC DBA Color Health
Classification: Uncertain significance for Cardiomyopathy. Last evaluated: 2025-01-21. Review status: criteria provided, single submitter. Criteria: ACMG Guidelines, 2015. Collection method: clinical testing. Allele origin: germline.
Comment: This missense variant replaces arginine with glycine at codon 845 of the MYH7 protein. Computational prediction tool is inconclusive regarding the impact of this variant on protein structure and function. This variant has been reported in two individuals affected with hypertrophic cardiomyopathy (PMID: 21839045, 25217454). This variant has not been identified in the general population by the Genome Aggregation Database (gnomAD). The available evidence is insufficient to determine the role of this variant in disease conclusively. Therefore, this variant is classified as a Variant of Uncertain Significance.

Ambry Genetics
Classification: Uncertain significance for Cardiovascular phenotype. Last evaluated: 2024-03-30. Review status: criteria provided, single submitter. Criteria: Ambry Variant Classification Scheme 2023. Collection method: clinical testing. Allele origin: germline.
Comment: The p.R845G variant (also known as c.2533A>G), located in coding exon 20 of the MYH7 gene, results from an A to G substitution at nucleotide position 2533. The arginine at codon 845 is replaced by glycine, an amino acid with dissimilar properties. This alteration is located in the myosin head domain, which contains a statistically significant clustering of pathogenic missense variants (Homburger JR et al. Proc Natl Acad Sci U S A, 2016 06;113:6701-6; Walsh R et al. Genet Med, 2017 02;19:192-203; Ambry internal data). This variant has been reported in a hypertrophic cardiomyopathy cohort, but clinical details were limited (Caselli S et al. Am J Cardiol, 2014 Nov;114:1383-9). This amino acid position is poorly conserved in available vertebrate species. In addition, the in silico prediction for this alteration is inconclusive. Based on the available evidence, the clinical significance of this alteration remains unclear.

Blueprint Genetics
Classification: Uncertain significance. Last evaluated: 2023-02-10. Review status: criteria provided, single submitter. Criteria: ACMG Guidelines, 2015. Collection method: clinical testing. Allele origin: germline.

Literature cited by the submitters: PubMed 21839045 (cited by Color Diagnostics, LLC DBA Color Health and Ambry Genetics); PubMed 25217454 (cited by Color Diagnostics, LLC DBA Color Health and Ambry Genetics).

NM_000257.4(MYH7):c.2533A>G (p.Arg845Gly)

Genes: MYH7 (myosin heavy chain 7; minus strand), LOC126861898 (BRD4-independent group 4 enhancer GRCh37_chr14:23893609-23894808; plus strand). Cytogenetic location: 14q11.2.
Variant type: single nucleotide variant.
Coding change: c.2533A>G on transcript NM_000257.4 (MANE Select); coding-DNA position 2533, A replaced by G.
Protein change: p.Arg845Gly; replaces arginine 845 with glycine.
Molecular consequence: missense variant.
Genome position (GRCh38, 1-based): chr14:23,424,915, T>C on the plus strand (A>G on the coding strand, the complement: MYH7 is on the minus strand). VCF-style: chr14-23424915-T-C. GRCh37 (hg19) VCF-style: chr14-23894124-T-C.
Other names: c.2533A>G, p.Arg845Gly (NM_001407004.1); short protein forms R845G.
Identifiers: ClinVar variation 3297511 (VCV003297511.3).
Genomic context (GRCh38, chr14:23,424,915, plus strand): 5'-TCTCTAGCGCCTCTTTGAGGCGTGTGAACTCCTCCTTCATGGAGGCCATCTCCTTCTCTC[T>C]TTCTGCACTCTTCAGCAGCGGCTTGATCTTGAAGTAGAGCTTCATCCAGGGCCAATTCTT-3'
Protein context (NP_000248.2, residues 835-855): KIKPLLKSAE[Arg845Gly]EKEMASMKEE